The following is an entry in ClinVar:

ClinVar aggregate classification (germline): Pathogenic. Review status: criteria provided, multiple submitters, no conflicts (2 of 4 stars). 4 submissions from 4 submitters: Pathogenic (4). Last evaluated 2025-10-05.

Conditions:
Familial X-linked hypophosphatemic vitamin D refractory rickets (XLHRD). Also called: X-Linked Hypophosphatemia; Hypophosphatemic Rickets, X-Linked Dominant; HYPOPHOSPHATEMIC VITAMIN D-RESISTANT RICKETS; Hypophosphatemia, vitamin D-resistant rickets; Vitamin D-resistant rickets, X-linked. Identifiers: Orphanet 89936, MedGen C0733682, MONDO:0010619, OMIM 307800.

Submissions (4):

Clinical Biomedical Laboratory, Shriners Hospital For Children - Canada
Classification: Pathogenic for Familial X-linked hypophosphatemic vitamin D refractory rickets. Last evaluated: 2025-10-05. Review status: criteria provided, single submitter. Criteria: ACMG Guidelines, 2015. Collection method: clinical testing. Allele origin: germline. Affected: yes.
Comment: This variant is predicted to introduce a premature termination codon leading to degradation of the affected transcript. This variant is absent from the Genome Aggregation Database (v2.1.1). Heterozygous loss of function variants in PHEX are known to cause hypophosphatemic rickets (PMID: 19219621). This variant has been reported in the literature as a cause of hypophosphatemic rickets (PMID 30682568).

Labcorp Genetics (formerly Invitae), Labcorp
Classification: Pathogenic. Last evaluated: 2024-03-02. Review status: criteria provided, single submitter. Criteria: Invitae Variant Classification Sherloc (09022015). Collection method: clinical testing. Allele origin: germline.
Comment: This sequence change creates a premature translational stop signal (p.Gln133*) in the PHEX gene. It is expected to result in an absent or disrupted protein product. Loss-of-function variants in PHEX are known to be pathogenic (PMID: 9097956, 9106524, 19219621). This variant is not present in population databases (gnomAD no frequency). This premature translational stop signal has been observed in individuals with hypophophatemic rickets (PMID: 21050253, 30682568). ClinVar contains an entry for this variant (Variation ID: 431828). Algorithms developed to predict the effect of sequence changes on RNA splicing suggest that this variant may disrupt the consensus splice site. For these reasons, this variant has been classified as Pathogenic.

Centre for Mendelian Genomics, University Medical Centre Ljubljana
Classification: Pathogenic for Familial X-linked hypophosphatemic vitamin D refractory rickets. Last evaluated: 2019-12-19. Review status: criteria provided, single submitter. Criteria: ACMG Guidelines, 2015. Collection method: clinical testing. Allele origin: unknown. Affected: yes.
Comment: This variant was classified as: Pathogenic. The following ACMG criteria were applied in classifying this variant: PVS1,PM1,PM2,PP5.

GeneDx
Classification: Pathogenic. Last evaluated: 2017-06-14. Review status: criteria provided, single submitter. Criteria: GeneDx Variant Classification (06012015). Collection method: clinical testing. Allele origin: germline. Affected: yes.
Comment: The Q133X nonsense variant in the PHEX gene has been reported previously in association with X-linked hypophosphatemic rickets (Ruppe et al., 2011). Q133X is not observed in large population cohorts (Lek et al., 2016; 1000 Genomes Consortium et al., 2015; Exome Variant Server). This pathogenic variant is predicted to cause loss of normal protein function either through protein truncation or nonsense-mediated mRNA decay.

Literature cited by the submitters: PubMed 30682568 (cited by Clinical Biomedical Laboratory, Shriners Hospital For Children - Canada and Labcorp Genetics (formerly Invitae), Labcorp); PubMed 19219621 (cited by Clinical Biomedical Laboratory, Shriners Hospital For Children - Canada and Labcorp Genetics (formerly Invitae), Labcorp); PubMed 9097956 (cited by Labcorp Genetics (formerly Invitae), Labcorp); PubMed 9106524 (cited by Labcorp Genetics (formerly Invitae), Labcorp); PubMed 21050253 (cited by Labcorp Genetics (formerly Invitae), Labcorp).

NM_000444.6(PHEX):c.397C>T (p.Gln133Ter)

Gene: PHEX (phosphate regulating endopeptidase X-linked; plus strand). Cytogenetic location: Xp22.11.
Variant type: single nucleotide variant.
Coding change: c.397C>T on transcript NM_000444.6 (MANE Select); coding-DNA position 397, C replaced by T.
Protein change: p.Gln133Ter; replaces glutamine 133 with a stop codon.
Molecular consequence: nonsense.
Genome position (GRCh38, 1-based): chrX:22,076,435, C>T. VCF-style: chrX-22076435-C-T. GRCh37 (hg19) VCF-style: chrX-22094553-C-T.
Other names: c.397C>T, p.Gln133Ter (NM_001282754.2); short protein forms Q133*.
Identifiers: ClinVar variation 431828 (VCV000431828.13), dbSNP rs151306376, ClinGen allele CA412571122.